The following is an entry in ClinVar:

NM_003482.4(KMT2D):c.3064C>A (p.Pro1022Thr)

Gene: KMT2D (lysine methyltransferase 2D; minus strand). Cytogenetic location: 12q13.12.
Variant type: single nucleotide variant.
Coding change: c.3064C>A on transcript NM_003482.4 (MANE Select); coding-DNA position 3064, C replaced by A.
Protein change: p.Pro1022Thr; replaces proline 1022 with threonine.
Molecular consequence: missense variant.
Genome position (GRCh38, 1-based): chr12:49,050,524, G>T on the plus strand (C>A on the coding strand, the complement: KMT2D is on the minus strand). VCF-style: chr12-49050524-G-T. GRCh37 (hg19) VCF-style: chr12-49444307-G-T.
Other names: short protein forms P1022T.
Identifiers: ClinVar variation 3362314 (VCV003362314.3).

ClinVar aggregate classification (germline): Uncertain significance (1 of 4 stars; one submission).

Conditions:
Kabuki syndrome 1 (KABUK1). Also called: KMT2D-Related Kabuki Syndrome. Identifiers: Orphanet 2322, MedGen CN030661, MONDO:0007843, OMIM 147920.

Submission:

Neuberg Centre For Genomic Medicine, NCGM
Classification: Uncertain significance for Kabuki syndrome 1. Last evaluated: 2023-06-02. Review status: criteria provided, single submitter. Criteria: ACMG Guidelines, 2015. Collection method: clinical testing. Allele origin: germline. Inheritance: Autosomal dominant inheritance. Affected: yes.
Comment: The observed missense variant c.3064C>A(p.Pro1022Thr) in KMT2D gene has not been reported previously as a pathogenic variant nor as a benign variant, to our knowledge. The c.3064C>A(p.Pro1022Thr) variant is absent in gnomAD Exomes. The amino acid Pro at position 1022 is changed to a Thr changing protein sequence and it might alter its composition and physico-chemical properties. Computational evidence (Polyphen-Benign, SIFT-Damaging and Mutation Taster-polymorphic) predicts conflicting evidence on protein structure and function for this variant.The reference amino acid p.Pro1022Thr in KMT2D is predicted as conserved by GERP++ and PhyloP across 100 vertebrates. For these reasons, this variant has been classified as Uncertain Significance.